The following is an entry in ClinVar:

ClinVar aggregate classification (germline): Uncertain significance (1 of 4 stars; one submission).

Submission:

Women's Health and Genetics/Laboratory Corporation of America, LabCorp
Classification: Uncertain significance. Last evaluated: 2025-09-18. Review status: criteria provided, single submitter. Criteria: LabCorp Variant Classification Summary - May 2015. Collection method: clinical testing. Allele origin: germline.
Comment: Variant summary: PAH c.188C>A (p.Thr63Asn) results in a non-conservative amino acid change in the encoded protein sequence. Algorithms developed to predict the effect of missense changes on protein structure and function all suggest that this variant is likely to be disruptive. The variant was absent in 250972 control chromosomes. The available data on variant occurrences in the general population are insufficient to allow any conclusion about variant significance. To our knowledge, no occurrence of c.188C>A in individuals affected with PAH-related conditions and no experimental evidence demonstrating its impact on protein function have been reported. No submitters have cited clinical-significance assessments for this variant to ClinVar. Based on the evidence outlined above, the variant was classified as uncertain significance.

NM_000277.3(PAH):c.188C>A (p.Thr63Asn)

Gene: PAH (phenylalanine hydroxylase; minus strand). Cytogenetic location: 12q23.2.
Variant type: single nucleotide variant.
Coding change: c.188C>A on transcript NM_000277.3 (MANE Select); coding-DNA position 188, C replaced by A.
Protein change: p.Thr63Asn; replaces threonine 63 with asparagine.
Molecular consequence: missense variant.
Genome position (GRCh38, 1-based): chr12:102,894,899, G>T on the plus strand (C>A on the coding strand, the complement: PAH is on the minus strand). VCF-style: chr12-102894899-G-T. GRCh37 (hg19) VCF-style: chr12-103288677-G-T.
Other names: c.188C>A, p.Thr63Asn (NM_001354304.2); short protein forms T63N.
Identifiers: ClinVar variation 4536132 (VCV004536132.1).
Genomic context (GRCh38, chr12:102,894,899, plus strand): 5'-AAATGGGTGAAAAATTCATACTCATCTTTCTTTAAACGAGAAGGTCTAGATTCAATGTGG[G>T]TCAGGTTTACATCATTCTCCTAGAAGAGAGAATGGGGAGGGTGAGGAGACAGTCACTGGA-3'
Protein context (NP_000268.1, residues 53-73): RLFEENDVNL[Thr63Asn]HIESRPSRLK